The following is an entry in ClinVar:

NM_001267550.2(TTN):c.7436A>G (p.Tyr2479Cys)

Genes: TTN (titin; minus strand), LOC126806433 (BRD4-independent group 4 enhancer GRCh37_chr2:179638309-179639508; plus strand). Cytogenetic location: 2q31.2.
Variant type: single nucleotide variant.
Coding change: c.7436A>G on transcript NM_001267550.2 (MANE Select); coding-DNA position 7436, A replaced by G.
Protein change: p.Tyr2479Cys; replaces tyrosine 2479 with cysteine.
Molecular consequence: missense variant.
Genome position (GRCh38, 1-based): chr2:178,773,620, T>C on the plus strand (A>G on the coding strand, the complement: TTN is on the minus strand). VCF-style: chr2-178773620-T-C. GRCh37 (hg19) VCF-style: chr2-179638347-T-C.
Other names: c.7298A>G, p.Tyr2433Cys (NM_003319.4, NM_133432.3, NM_133437.4); c.7436A>G, p.Tyr2479Cys (NM_001256850.1, NM_133378.4, NM_133379.5); short protein forms Y2433C, Y2479C.
Identifiers: ClinVar variation 518973 (VCV000518973.5), dbSNP rs1554000863, ClinGen allele CA349680298.

ClinVar aggregate classification (germline): Uncertain significance (1 of 4 stars; one submission).

Conditions:
Cardiovascular phenotype. Identifiers: MedGen CN230736.

Submission:

Ambry Genetics
Classification: Uncertain significance for Cardiovascular phenotype. Last evaluated: 2017-01-17. Review status: criteria provided, single submitter. Criteria: Ambry Variant Classification Scheme 2023. Collection method: clinical testing. Allele origin: germline.
Comment: The p.Y2433C variant (also known as c.7298A>G), located in coding exon 30 of the TTN gene, results from an A to G substitution at nucleotide position 7298. The tyrosine at codon 2433 is replaced by cysteine, an amino acid with highly dissimilar properties, and is located in the I-band region of the N2-B isoform of the titin protein. This amino acid position is well conserved in available vertebrate species. In addition, the in silico prediction for this alteration is inconclusive. Since supporting evidence is limited at this time, the clinical significance of this alteration remains unclear.